The following is an entry in ClinVar:

NM_001378418.1(TCF20):c.2833_2834dup (p.Lys946fs)

Gene: TCF20 (transcription factor 20; minus strand). Cytogenetic location: 22q13.2.
Variant type: Duplication.
Coding change: c.2833_2834dup on transcript NM_001378418.1 (MANE Select); coding-DNA positions 2833 to 2834, 2 bases duplicated (AA; older notation c.2833_2834dupAA).
Protein change: p.Lys946fs; shifts the reading frame from lysine 946.
Molecular consequence: frameshift variant.
Genome position (GRCh38, 1-based): chr22:42,212,472-42,212,473, TT duplicated on the plus strand (AA on the coding strand, the reverse complement: TCF20 is on the minus strand). VCF-style (leftmost placement, unchanged base first): chr22-42212471-C-CTT. GRCh37 (hg19) VCF-style: chr22-42608477-C-CTT.
Other names: c.2833_2834dup, p.Lys946fs (NM_005650.4, NM_181492.3); short protein forms K946fs.
Identifiers: ClinVar variation 4852234 (VCV004852234.1).
Genomic context (GRCh38, chr22:42,212,471, plus strand): 5'-GGCATTGCCGCGGTAAGACTCATGCTTGATGCTAGGAGGATGGCAGTGGTCTCCAGATTT[C>CTT]TTGTTGTTGAAACTAGCTTGAGATTTAGACTGTTCAAAGTCTTCCTCTTTTATCTGCCCG-3'

ClinVar aggregate classification (germline): Pathogenic (1 of 4 stars; one submission).

Conditions:
Developmental delay with variable intellectual impairment and behavioral abnormalities. Identifiers: MedGen C5193092, MONDO:0032745, OMIM 618430.

Submission:

Variantyx, Inc.
Classification: Pathogenic for Developmental delay with variable intellectual impairment and behavioral abnormalities. Last evaluated: 2026-01-02. Review status: criteria provided, single submitter. Criteria: Variantyx Assertion Criteria 2022. Collection method: clinical testing. Allele origin: de novo. Inheritance: Autosomal dominant inheritance. Affected: yes.
Comment: This is a frameshift variant in the TCF20 gene (OMIM: 603107). Pathogenic variants in this gene have been associated with autosomal dominant developmental delay with variable intellectual impairment and behavioral abnormalities. The alteration introduces a premature termination codon in exon 2 out of 6 and is expected to result in loss of function, which is a known disease mechanism for TCF20 in this disorder (PMID: 27436265) (PVS1). This variant is absent from control populations (PM2), and it has not been reported in individuals with TCF20-related disorders in the databases available for review. Based on the current evidence, this variant is classified as pathogenic for autosomal dominant developmental delay with variable intellectual impairment and behavioral abnormalities.

Literature cited by the submitters: PubMed 27436265.